The following is an entry in ClinVar:

NM_004444.5(EPHB4):c.1120G>T (p.Gly374Trp)

Gene: EPHB4 (EPH receptor B4; minus strand). Cytogenetic location: 7q22.1.
Variant type: single nucleotide variant.
Coding change: c.1120G>T on transcript NM_004444.5 (MANE Select); coding-DNA position 1120, G replaced by T.
Protein change: p.Gly374Trp; replaces glycine 374 with tryptophan.
Molecular consequence: missense variant.
Genome position (GRCh38, 1-based): chr7:100,819,734, C>A on the plus strand (G>T on the coding strand, the complement: EPHB4 is on the minus strand). VCF-style: chr7-100819734-C-A. GRCh37 (hg19) VCF-style: chr7-100417356-C-A.
Other names: short protein forms G374W.
Identifiers: ClinVar variation 2626727 (VCV002626727.2), dbSNP rs534368922, ClinGen allele CA368576405.

ClinVar aggregate classification (germline): Uncertain significance (1 of 4 stars; one submission).

Conditions:
Cardiovascular phenotype. Identifiers: MedGen CN230736.

gnomAD v4.1: 7 of 1,611,038 alleles (0.00043%); highest among the groups gnomAD compares: Non-Finnish European, 0.00059%; no homozygotes.

Submission:

Ambry Genetics
Classification: Uncertain significance for Cardiovascular phenotype. Last evaluated: 2023-09-08. Review status: criteria provided, single submitter. Criteria: Ambry Variant Classification Scheme 2023. Collection method: clinical testing. Allele origin: germline.
Comment: The p.G374W variant (also known as c.1120G>T), located in coding exon 6 of the EPHB4 gene, results from a G to T substitution at nucleotide position 1120. The glycine at codon 374 is replaced by tryptophan, an amino acid with highly dissimilar properties. This amino acid position is conserved. In addition, this alteration is predicted to be deleterious by in silico analysis. Since supporting evidence is limited at this time, the clinical significance of this alteration remains unclear.